The following is an entry in ClinVar:

ClinVar aggregate classification (germline): Conflicting classifications of pathogenicity. Review status: criteria provided, conflicting classifications (1 of 4 stars). 9 submissions from 8 submitters: Uncertain significance (5); Benign (1); Likely benign (1). 2 of the submissions do not count toward it. Last evaluated 2025-09-23.

Conditions:
Adams-Oliver syndrome 5 (AOS5). Identifiers: Orphanet 974, MedGen C4014970, MONDO:0014459, OMIM 616028.
Familial thoracic aortic aneurysm and aortic dissection (TAAD). Also called: Thoracic aortic aneurysms and dissections. Identifiers: Orphanet 91387, MedGen C4707243, MONDO:0019625.
Aortic valve disease 1 (AOVD1). Identifiers: MedGen C3887892, MONDO:0024523, OMIM 109730.

Allele frequency attached by ClinVar (database versions not stated): gnomAD exomes 0.00003 and 0.00004; ExAC 0.00005; gnomAD 0.00005 and 0.00006; TOPMed 0.00005.
gnomAD v4.1: 55 of 1,612,520 alleles (0.0034%); highest among the groups gnomAD compares: Non-Finnish European, 0.0043%; no homozygotes.

Submissions (9):

Ambry Genetics
Classification: Likely benign for Familial thoracic aortic aneurysm and aortic dissection. Last evaluated: 2025-09-23. Review status: criteria provided, single submitter. Criteria: Ambry Variant Classification Scheme 2023. Collection method: clinical testing. Allele origin: germline.

Labcorp Genetics (formerly Invitae), Labcorp
Classification: Benign for Adams-Oliver syndrome 5. Last evaluated: 2025-03-17. Review status: criteria provided, single submitter. Criteria: Invitae Variant Classification Sherloc (09022015). Collection method: clinical testing. Allele origin: germline.

Blueprint Genetics
Classification: Uncertain significance. Last evaluated: 2024-10-14. Review status: criteria provided, single submitter. Criteria: ACMG Guidelines, 2015. Collection method: clinical testing. Allele origin: germline.

GeneDx
Classification: Uncertain significance. Last evaluated: 2024-04-03. Review status: criteria provided, single submitter. Criteria: GeneDx Variant Classification Process June 2021. Collection method: clinical testing. Allele origin: germline.
Comment: Reported in an individual with bicuspid aortic valve (BAV), although this individual also carried an AXIN1 variant (PMID: 28387797); In silico analysis supports that this missense variant does not alter protein structure/function; This variant is associated with the following publications: (PMID: 30059548, 28387797)

Genome-Nilou Lab
Classification: Uncertain significance for Adams-Oliver syndrome 5. Last evaluated: 2022-03-15. Review status: criteria provided, single submitter. Criteria: ACMG Guidelines, 2015. Collection method: clinical testing. Allele origin: germline. Affected: no.

Genome-Nilou Lab
Classification: Uncertain significance for Aortic valve disease 1. Last evaluated: 2022-03-15. Review status: criteria provided, single submitter. Criteria: ACMG Guidelines, 2015. Collection method: clinical testing. Allele origin: germline. Affected: no.

CHEO Genetics Diagnostic Laboratory, Children's Hospital of Eastern Ontario
Classification: Uncertain significance for Familial thoracic aortic aneurysm and aortic dissection. Last evaluated: 2019-08-14. Review status: criteria provided, single submitter. Criteria: ACMG Guidelines, 2015. Collection method: clinical testing. Allele origin: germline.

Clinical Genetics DNA and cytogenetics Diagnostics Lab, Erasmus MC, Erasmus Medical Center
Classification: Uncertain significance. Review status: no assertion criteria provided. Collection method: clinical testing. Allele origin: germline. Affected: yes. Study: VKGL Data-share Consensus. Not counted in ClinVar's aggregate classification.

Genome Diagnostics Laboratory, Amsterdam University Medical Center
Classification: Uncertain significance. Review status: no assertion criteria provided. Collection method: clinical testing. Allele origin: germline. Affected: yes. Study: VKGL Data-share Consensus. Not counted in ClinVar's aggregate classification.

Literature cited by the submitters: PubMed 28387797 (cited by Ambry Genetics); PubMed 30059548 (cited by Ambry Genetics).

NM_017617.5(NOTCH1):c.4492A>G (p.Lys1498Glu)

Gene: NOTCH1 (notch receptor 1; minus strand). Cytogenetic location: 9q34.3.
Variant type: single nucleotide variant.
Coding change: c.4492A>G on transcript NM_017617.5 (MANE Select); coding-DNA position 4492, A replaced by G.
Protein change: p.Lys1498Glu; replaces lysine 1498 with glutamic acid.
Molecular consequence: missense variant.
Genome position (GRCh38, 1-based): chr9:136,505,404, T>C on the plus strand (A>G on the coding strand, the complement: NOTCH1 is on the minus strand). VCF-style: chr9-136505404-T-C. GRCh37 (hg19) VCF-style: chr9-139399856-T-C.
Other names: c.4492A>G, p.Lys1498Glu (LRG_1122t1); short protein forms K1498E.
Identifiers: ClinVar variation 650044 (VCV000650044.21), dbSNP rs745681787, ClinGen allele CA5340605.